The following is an entry in ClinVar:

ClinVar aggregate classification (germline): Benign. Review status: criteria provided, multiple submitters, no conflicts (2 of 4 stars). 4 submissions from 4 submitters: Benign (4). Last evaluated 2026-02-03.

Conditions:
Age related macular degeneration 1 (ARMD1). Also called: MACULOPATHY, AGE-RELATED, 1. Identifiers: MedGen C1864205, MONDO:0011285, OMIM 603075.

Allele frequency attached by ClinVar (database versions not stated): ExAC 0.57832; TOPMed 0.65128; ESP Exome Variant Server 0.62811; 1000 Genomes Project 0.66134; 1000 Genomes Project 30x 0.67349; gnomAD exomes 0.57931; gnomAD 0.63553 and 0.63157.
gnomAD v4.1: 865,748 of 1,603,608 alleles (54%); highest among the groups gnomAD compares: African/African-American, 87%; 240,089 homozygotes.

Submissions (4):

Labcorp Genetics (formerly Invitae), Labcorp
Classification: Benign. Last evaluated: 2026-02-03. Review status: criteria provided, single submitter. Criteria: Invitae Variant Classification Sherloc (09022015). Collection method: clinical testing. Allele origin: germline.

Genome-Nilou Lab
Classification: Benign for Age related macular degeneration 1. Last evaluated: 2023-04-11. Review status: criteria provided, single submitter. Criteria: ACMG Guidelines, 2015. Collection method: clinical testing. Allele origin: germline. Affected: no.

Illumina Laboratory Services, Illumina
Classification: Benign for Age related macular degeneration 1. Last evaluated: 2018-01-13. Review status: criteria provided, single submitter. Criteria: ICSL Variant Classification Criteria 13 December 2019. Collection method: clinical testing. Allele origin: germline.
Comment: This variant was observed in the ICSL laboratory as part of a predisposition screen in an ostensibly healthy population. It had not been previously curated by ICSL or reported in the Human Gene Mutation Database (HGMD: prior to June 1st, 2018), and was therefore a candidate for classification through an automated scoring system. Utilizing variant allele frequency, disease prevalence and penetrance estimates, and inheritance mode, an automated score was calculated to assess if this variant is too frequent to cause the disease. Based on the score and internal cut-off values, a variant classified as benign is not then subjected to further curation. The score for this variant resulted in a classification of benign for this disease.

Breakthrough Genomics
Classification: Benign. Review status: criteria provided, single submitter. Criteria: ACMG Guidelines, 2015. Collection method: not provided. Allele origin: germline. Inheritance: Autosomal dominant inheritance. Affected: yes.

NM_031935.3(HMCN1):c.8885-7A>G

Gene: HMCN1 (hemicentin 1; plus strand). Cytogenetic location: 1q31.1.
Variant type: single nucleotide variant.
Coding change: c.8885-7A>G on transcript NM_031935.3 (MANE Select); 7 bases into the intron before coding-DNA position 8885, A replaced by G.
Molecular consequence: intron variant.
Genome position (GRCh38, 1-based): chr1:186,086,239, A>G. VCF-style: chr1-186086239-A-G. GRCh37 (hg19) VCF-style: chr1-186055371-A-G.
Identifiers: ClinVar variation 294201 (VCV000294201.14), dbSNP rs6425017, ClinGen allele CA1293262.